The following is an entry in ClinVar:

ClinVar aggregate classification (germline): Uncertain significance. Review status: criteria provided, multiple submitters, no conflicts (2 of 4 stars). 2 submissions from 2 submitters: Uncertain significance (2). Last evaluated 2026-01-20.

Conditions:
Autosomal recessive limb-girdle muscular dystrophy type 2Q (LGMDR17). Also called: MUSCULAR DYSTROPHY, LIMB-GIRDLE, AUTOSOMAL RECESSIVE 17. Identifiers: Orphanet 254361, MedGen C3150989, MONDO:0013390, OMIM 613723.
Epidermolysis bullosa simplex 5B, with muscular dystrophy (EBS5B). Also called: EPIDERMOLYSIS BULLOSA SIMPLEX AND LIMB-GIRDLE MUSCULAR DYSTROPHY; Epidermolysis bullosa simplex with muscular dystrophy. Identifiers: Orphanet 257, MedGen C2931072, MONDO:0009181, OMIM 226670.
Epidermolysis bullosa simplex, Ogna type (EBS5A). Also called: Pidermolysis bullosa simplex 5A, Ogna type; EPIDERMOLYSIS BULLOSA SIMPLEX 5A, OGNA TYPE. Identifiers: Orphanet 79401, MedGen C0432317, MONDO:0007555, OMIM 131950.
Epidermolysis bullosa simplex with nail dystrophy (EBS5D). Identifiers: MedGen C4225309, MONDO:0014661, OMIM 616487.
Epidermolysis bullosa simplex 5C, with pyloric atresia (EBS5C). Also called: Epidermolysis bullosa simplex with pyloric atresia; PLEC1-Related Epidermolysis Bullosa with Pyloric Atresia; PLEC-Related Epidermolysis Bullosa with Pyloric Atresia. Identifiers: Orphanet 158684, MedGen C2677349, MONDO:0012807, OMIM 612138.

Allele frequency attached by ClinVar (database versions not stated): TOPMed below 0.00001; gnomAD 0.00001; gnomAD exomes 0.00002.
gnomAD v4.1: 29 of 1,549,080 alleles (0.0019%); highest among the groups gnomAD compares: East Asian, 0.0048%; no homozygotes.

Submissions (2):

Labcorp Genetics (formerly Invitae), Labcorp
Classification: Uncertain significance for Autosomal recessive limb-girdle muscular dystrophy type 2Q; Epidermolysis bullosa simplex, Ogna type; Epidermolysis bullosa simplex with nail dystrophy; Epidermolysis bullosa simplex 5C, with pyloric atresia; Epidermolysis bullosa simplex 5B, with muscular dystrophy. Last evaluated: 2026-01-20. Review status: criteria provided, single submitter. Criteria: Invitae Variant Classification Sherloc (09022015). Collection method: clinical testing. Allele origin: germline.
Comment: This sequence change replaces arginine, which is basic and polar, with cysteine, which is neutral and slightly polar, at codon 1806 of the PLEC protein (p.Arg1806Cys). The frequency data for this variant in the population databases is considered unreliable, as metrics indicate poor data quality at this position in the gnomAD database. This variant has not been reported in the literature in individuals affected with PLEC-related conditions. ClinVar contains an entry for this variant (Variation ID: 1471806). Experimental studies and prediction algorithms are not available or were not evaluated, and the functional significance of this variant is currently unknown. In summary, the available evidence is currently insufficient to determine the role of this variant in disease. Therefore, it has been classified as a Variant of Uncertain Significance.

GeneDx
Classification: Uncertain significance. Last evaluated: 2024-01-11. Review status: criteria provided, single submitter. Criteria: GeneDx Variant Classification Process June 2021. Collection method: clinical testing. Allele origin: germline. Affected: yes.
Comment: Not observed at significant frequency in large population cohorts (gnomAD); In silico analysis supports that this missense variant does not alter protein structure/function; Has not been previously published as pathogenic or benign to our knowledge

NM_201384.3(PLEC):c.5335C>T (p.Arg1779Cys)

Gene: PLEC (plectin; minus strand). Cytogenetic location: 8q24.3.
Variant type: single nucleotide variant.
Coding change: c.5335C>T on transcript NM_201384.3 (MANE Select); coding-DNA position 5335, C replaced by T.
Protein change: p.Arg1779Cys; replaces arginine 1779 with cysteine.
Molecular consequence: missense variant.
Genome position (GRCh38, 1-based): chr8:143,924,594, G>A on the plus strand (C>T on the coding strand, the complement: PLEC is on the minus strand). VCF-style: chr8-143924594-G-A. GRCh37 (hg19) VCF-style: chr8-144998762-G-A.
Other names: c.5416C>T, p.Arg1806Cys (NM_000445.5); c.5293C>T, p.Arg1765Cys (NM_201378.4); c.5269C>T, p.Arg1757Cys (NM_201379.3); c.5746C>T, p.Arg1916Cys (NM_201380.4); c.5239C>T, p.Arg1747Cys (NM_201381.3); c.5335C>T, p.Arg1779Cys (NM_201382.4); c.5347C>T, p.Arg1783Cys (NM_201383.3); c.5416C>T (NM_000445.3); short protein forms R1757C, R1783C, R1916C, R1765C, R1747C, R1779C, R1806C.
Identifiers: ClinVar variation 1471806 (VCV001471806.9), dbSNP rs927107716, ClinGen allele CA372545958.